The following is an entry in ClinVar:

NM_006206.6(PDGFRA):c.2480C>T (p.Ala827Val)

Gene: PDGFRA (platelet derived growth factor receptor alpha; plus strand). Cytogenetic location: 4q12.
Variant type: single nucleotide variant.
Coding change: c.2480C>T on transcript NM_006206.6 (MANE Select); coding-DNA position 2480, C replaced by T.
Protein change: p.Ala827Val; replaces alanine 827 with valine.
Molecular consequence: missense variant.
Genome position (GRCh38, 1-based): chr4:54,285,881, C>T. VCF-style: chr4-54285881-C-T. GRCh37 (hg19) VCF-style: chr4-55152048-C-T.
Other names: c.2555C>T, p.Ala852Val (NM_001347828.2); c.2480C>T, p.Ala827Val (NM_001347829.2); c.2519C>T, p.Ala840Val (NM_001347830.2); short protein forms A840V, A827V, A852V.
Identifiers: ClinVar variation 3930230 (VCV003930230.1).
Genomic context (GRCh38, chr4:54,285,881, plus strand): 5'-TTTCTTCCTTTTCCATGCAGTGTGTCCACCGTGATCTGGCTGCTCGCAACGTCCTCCTGG[C>T]ACAAGGAAAAATTGTGAAGATCTGTGACTTTGGCCTGGCCAGAGACATCATGCATGATTC-3'
Protein context (NP_006197.1, residues 817-837): RDLAARNVLL[Ala827Val]QGKIVKICDF

ClinVar aggregate classification (germline): Uncertain significance (1 of 4 stars; one submission).

Conditions:
Hereditary cancer-predisposing syndrome. Also called: Tumor predisposition; Hereditary neoplastic syndrome; Hereditary Cancer Syndrome; Neoplastic Syndromes, Hereditary. Identifiers: Orphanet 140162, MedGen C0027672, MeSH D009386, MONDO:0015356.

Submission:

Ambry Genetics
Classification: Uncertain significance for Hereditary cancer-predisposing syndrome. Last evaluated: 2025-06-02. Review status: criteria provided, single submitter. Criteria: Ambry Variant Classification Scheme 2023. Collection method: clinical testing. Allele origin: germline.
Comment: The p.A827V variant (also known as c.2480C>T), located in coding exon 17 of the PDGFRA gene, results from a C to T substitution at nucleotide position 2480. The alanine at codon 827 is replaced by valine, an amino acid with similar properties. This amino acid position is conserved. In addition, the in silico prediction for this alteration is inconclusive. Based on the available evidence, the clinical significance of this variant remains unclear.